The following is an entry in ClinVar:

ClinVar aggregate classification (germline): Uncertain significance (1 of 4 stars; one submission).

Conditions:
Cardiovascular phenotype. Identifiers: MedGen CN230736.

Submission:

Ambry Genetics
Classification: Uncertain significance for Cardiovascular phenotype. Last evaluated: 2025-02-06. Review status: criteria provided, single submitter. Criteria: Ambry Variant Classification Scheme 2023. Collection method: clinical testing. Allele origin: germline.
Comment: The p.T3448I variant (also known as c.10343C>T), located in coding exon 26 of the APOB gene, results from a C to T substitution at nucleotide position 10343. The threonine at codon 3448 is replaced by isoleucine, an amino acid with similar properties. This amino acid position is conserved. In addition, the in silico prediction for this alteration is inconclusive. Based on the available evidence, the clinical significance of this variant remains unclear.

NM_000384.3(APOB):c.10343C>T (p.Thr3448Ile)

Gene: APOB (apolipoprotein B; minus strand). Cytogenetic location: 2p24.1.
Variant type: single nucleotide variant.
Coding change: c.10343C>T on transcript NM_000384.3 (MANE Select); coding-DNA position 10343, C replaced by T.
Protein change: p.Thr3448Ile; replaces threonine 3448 with isoleucine.
Molecular consequence: missense variant.
Genome position (GRCh38, 1-based): chr2:21,006,525, G>A on the plus strand (C>T on the coding strand, the complement: APOB is on the minus strand). VCF-style: chr2-21006525-G-A. GRCh37 (hg19) VCF-style: chr2-21229397-G-A.
Other names: short protein forms T3448I.
Identifiers: ClinVar variation 3885249 (VCV003885249.1).